The following is an entry in ClinVar:

NM_004595.5(SMS):c.758T>G (p.Ile253Arg)

Gene: SMS (spermine synthase; plus strand). Cytogenetic location: Xp22.11.
Variant type: single nucleotide variant.
Coding change: c.758T>G on transcript NM_004595.5 (MANE Select); coding-DNA position 758, T replaced by G.
Protein change: p.Ile253Arg; replaces isoleucine 253 with arginine.
Molecular consequence: missense variant.
Genome position (GRCh38, 1-based): chrX:21,984,311, T>G. VCF-style: chrX-21984311-T-G. GRCh37 (hg19) VCF-style: chrX-22002429-T-G.
Other names: c.599T>G, p.Ile200Arg (NM_001258423.2); short protein forms I200R, I253R.
Identifiers: ClinVar variation 2633812 (VCV002633812.1), dbSNP rs2519678012, ClinGen allele CA412570001.

ClinVar aggregate classification (germline): Uncertain significance (1 of 4 stars; one submission).

Conditions:
SMS-related disorder. Also called: SMS-related condition.

Submission:

PreventionGenetics, part of Exact Sciences
Classification: Uncertain significance for SMS-related condition. Last evaluated: 2023-04-06. Review status: criteria provided, single submitter. Criteria: ACMG Guidelines, 2015. Collection method: clinical testing. Allele origin: germline.
Comment: The SMS c.758T>G variant is predicted to result in the amino acid substitution p.Ile253Arg. To our knowledge, this variant has not been reported in the literature or in a large population database, indicating this variant is rare. At this time, the clinical significance of this variant is uncertain due to the absence of conclusive functional and genetic evidence.